The following is an entry in ClinVar:

NM_000310.4(PPT1):c.317A>G (p.Gln106Arg)

Gene: PPT1 (palmitoyl-protein thioesterase 1; minus strand). Cytogenetic location: 1p34.2.
Variant type: single nucleotide variant.
Coding change: c.317A>G on transcript NM_000310.4 (MANE Select); coding-DNA position 317, A replaced by G.
Protein change: p.Gln106Arg; replaces glutamine 106 with arginine.
Molecular consequence: missense variant. On other transcripts: intron variant (1).
Genome position (GRCh38, 1-based): chr1:40,092,090, T>C on the plus strand (A>G on the coding strand, the complement: PPT1 is on the minus strand). VCF-style: chr1-40092090-T-C. GRCh37 (hg19) VCF-style: chr1-40557762-T-C.
Other names: c.317A>G, p.Gln106Arg (NM_001363695.2); c.125-2578A>G (NM_001142604.2); short protein forms Q106R.
Identifiers: ClinVar variation 2062464 (VCV002062464.2), dbSNP rs2523687828, ClinGen allele CA339849077.
Genomic context (GRCh38, chr1:40,092,090, plus strand): 5'-CAAAAAGGAACGTACAGAAATTGGCCTCCCTGGGAGAATCCCATAGCATTGTAGCCTTGC[T>C]GCAATTTAGGATCCTTAGCAAGTGCCTGACACACTGTTGTTACTTGGGAATTGACATTCA-3'
Protein context (NP_000301.1, residues 96-116): CQALAKDPKL[Gln106Arg]QGYNAMGFSQ

ClinVar aggregate classification (germline): Uncertain significance. Review status: criteria provided, multiple submitters, no conflicts (2 of 4 stars). 2 submissions from 2 submitters: Uncertain significance (2). Last evaluated 2025-02-13.

Conditions:
Inborn genetic diseases. Identifiers: MedGen C0950123, MeSH D030342.
Neuronal ceroid lipofuscinosis 1 (CLN1). Also called: CEROID LIPOFUSCINOSIS, NEURONAL, 1, VARIABLE AGE AT ONSET; PPT1-Related Neuronal Ceroid-Lipofuscinosis. Identifiers: Orphanet 228329, MedGen C1850451, MONDO:0009744, OMIM 256730.

Submissions (2):

Ambry Genetics
Classification: Uncertain significance for Inborn genetic diseases. Last evaluated: 2025-02-13. Review status: criteria provided, single submitter. Criteria: Ambry Variant Classification Scheme 2023. Collection method: clinical testing. Allele origin: germline.

Labcorp Genetics (formerly Invitae), Labcorp
Classification: Uncertain significance for Neuronal ceroid lipofuscinosis 1. Last evaluated: 2022-04-12. Review status: criteria provided, single submitter. Criteria: Invitae Variant Classification Sherloc (09022015). Collection method: clinical testing. Allele origin: germline.
Comment: This sequence change replaces glutamine, which is neutral and polar, with arginine, which is basic and polar, at codon 106 of the PPT1 protein (p.Gln106Arg). This variant is not present in population databases (gnomAD no frequency). This variant has not been reported in the literature in individuals affected with PPT1-related conditions. Advanced modeling of protein sequence and biophysical properties (such as structural, functional, and spatial information, amino acid conservation, physicochemical variation, residue mobility, and thermodynamic stability) performed at Invitae indicates that this missense variant is not expected to disrupt PPT1 protein function. In summary, the available evidence is currently insufficient to determine the role of this variant in disease. Therefore, it has been classified as a Variant of Uncertain Significance.